The following is an entry in ClinVar:

ClinVar aggregate classification (germline): Likely benign. Review status: criteria provided, multiple submitters, no conflicts (2 of 4 stars). 2 submissions from 2 submitters: Likely benign (2). Last evaluated 2025-02-16.

Allele frequency attached by ClinVar (database versions not stated): ExAC 0.00001; gnomAD exomes 0.00002; gnomAD 0.00003; TOPMed 0.00005.
gnomAD v4.1: 40 of 1,613,964 alleles (0.0025%); highest among the groups gnomAD compares: East Asian, 0.051%; no homozygotes.

Submissions (2):

Laboratory of Genetics, Children's Clinical University Hospital Latvia
Classification: Likely benign. Last evaluated: 2025-02-16. Review status: criteria provided, single submitter. Criteria: ACMG Guidelines, 2015. Collection method: clinical testing. Allele origin: germline. Affected: yes.

CeGaT Center for Human Genetics Tuebingen
Classification: Likely benign. Last evaluated: 2024-03-01. Review status: criteria provided, single submitter. Criteria: CeGaT Center For Human Genetics Tuebingen Variant Classification Criteria Version 2. Collection method: clinical testing. Allele origin: germline. Affected: yes. Observed: 1 variant allele.
Comment: TRAF7: BP4, BP7

NM_032271.3(TRAF7):c.135A>G (p.Thr45=)

Gene: TRAF7 (TNF receptor associated factor 7; plus strand). Cytogenetic location: 16p13.3.
Variant type: single nucleotide variant.
Coding change: c.135A>G on transcript NM_032271.3 (MANE Select); coding-DNA position 135, A replaced by G.
Protein change: p.Thr45=; no amino-acid change (threonine 45 retained).
Molecular consequence: synonymous variant.
Genome position (GRCh38, 1-based): chr16:2,165,932, A>G. VCF-style: chr16-2165932-A-G. GRCh37 (hg19) VCF-style: chr16-2215933-A-G.
Identifiers: ClinVar variation 3067281 (VCV003067281.22), dbSNP rs750759264, ClinGen allele CA7834404.